The following is an entry in ClinVar:

ClinVar aggregate classification (germline): Uncertain significance (1 of 4 stars; one submission).

Submission:

Ambry Genetics
Classification: Uncertain significance. Last evaluated: 2024-11-14. Review status: criteria provided, single submitter. Criteria: Ambry Variant Classification Scheme 2023. Collection method: clinical testing. Allele origin: germline.
Comment: The p.S577N variant (also known as c.1730G>A), located in coding exon 12 of the RINT1 gene, results from a G to A substitution at nucleotide position 1730. The serine at codon 577 is replaced by asparagine, an amino acid with highly similar properties. This amino acid position is conserved. In addition, this alteration is predicted to be tolerated by in silico analysis. Based on the available evidence, the clinical significance of this variant remains unclear.

NM_021930.6(RINT1):c.1730G>A (p.Ser577Asn)

Gene: RINT1 (RAD50 interactor 1; plus strand). Cytogenetic location: 7q22.3.
Variant type: single nucleotide variant.
Coding change: c.1730G>A on transcript NM_021930.6 (MANE Select); coding-DNA position 1730, G replaced by A.
Protein change: p.Ser577Asn; replaces serine 577 with asparagine.
Molecular consequence: missense variant. On other transcripts: non-coding transcript variant (1).
Genome position (GRCh38, 1-based): chr7:105,563,791, G>A. VCF-style: chr7-105563791-G-A. GRCh37 (hg19) VCF-style: chr7-105204238-G-A.
Other names: c.1496G>A, p.Ser499Asn (NM_001346599.2); c.707G>A, p.Ser236Asn (NM_001346600.2, NM_001346603.2); c.806G>A, p.Ser269Asn (NM_001346601.2); short protein forms S236N, S269N, S577N, S499N.
Identifiers: ClinVar variation 3433567 (VCV003433567.1).